The following is an entry in ClinVar:

NM_002087.4(GRN):c.1429_1430dup (p.Asp477fs)

Gene: GRN (granulin precursor; plus strand). Cytogenetic location: 17q21.31.
Variant type: Duplication.
Coding change: c.1429_1430dup on transcript NM_002087.4 (MANE Select); coding-DNA positions 1429 to 1430, 2 bases duplicated (GA; older notation c.1429_1430dupGA).
Protein change: p.Asp477fs; shifts the reading frame from aspartic acid 477.
Molecular consequence: frameshift variant.
Genome position (GRCh38, 1-based): chr17:44,352,356-44,352,357, GA duplicated. VCF-style (leftmost placement, unchanged base first): chr17-44352355-G-GGA. GRCh37 (hg19) VCF-style: chr17-42429723-G-GGA.
Other names: short protein forms D477fs.
Identifiers: ClinVar variation 2633357 (VCV002633357.1), dbSNP rs2510058230, ClinGen allele CA2695200260.

ClinVar aggregate classification (germline): Pathogenic (1 of 4 stars; one submission).

Conditions:
GRN-related disorder. Also called: GRN-related condition; GRN-related disorders.

Submission:

PreventionGenetics, part of Exact Sciences
Classification: Pathogenic for GRN-related condition. Last evaluated: 2023-03-16. Review status: criteria provided, single submitter. Criteria: ACMG Guidelines, 2015. Collection method: clinical testing. Allele origin: germline.
Comment: The GRN c.1429_1430dupGA variant is predicted to result in a frameshift and premature protein termination (p.Asp477Glufs*15). To our knowledge, this variant has not been reported in the literature or in a large population database, indicating this variant is rare. Frameshift variants in GRN are expected to be pathogenic. This variant is interpreted as pathogenic.